The following is an entry in ClinVar:

ClinVar aggregate classification (germline): Uncertain significance (1 of 4 stars; one submission).

Submission:

GeneDx
Classification: Uncertain significance. Last evaluated: 2026-03-21. Review status: criteria provided, single submitter. Criteria: GeneDx Variant Classification Process June 2021. Collection method: clinical testing. Allele origin: germline.
Comment: Not observed at significant frequency in large population cohorts (gnomAD); In silico analysis supports that this missense variant has a deleterious effect on protein structure/function; Has not been previously published as pathogenic or benign to our knowledge

NM_001393769.1(MED12L):c.2897A>G (p.Tyr966Cys)

Genes: MED12L (mediator complex subunit 12L; plus strand), P2RY12 (purinergic receptor P2Y12; minus strand). Cytogenetic location: 3q25.1.
Variant type: single nucleotide variant.
Coding change: c.2897A>G on transcript NM_001393769.1 (MANE Select); coding-DNA position 2897, A replaced by G.
Protein change: p.Tyr966Cys; replaces tyrosine 966 with cysteine.
Molecular consequence: missense variant. On other transcripts: intron variant (1).
Genome position (GRCh38, 1-based): chr3:151,360,545, A>G. VCF-style: chr3-151360545-A-G. GRCh37 (hg19) VCF-style: chr3-151078333-A-G.
Other names: c.2792A>G, p.Tyr931Cys (NM_053002.6); c.-179-19785T>C (NM_022788.5); short protein forms Y931C, Y966C.
Identifiers: ClinVar variation 5009409 (VCV005009409.1).